The following is an entry in ClinVar:

ClinVar aggregate classification (germline): Likely pathogenic. Review status: criteria provided, single submitter (1 of 4 stars). 2 submissions from 2 submitters: Likely pathogenic (1). 1 of the submissions does not count toward it. Last evaluated 2026-01-07.

Conditions:
AR-related disorder. Also called: AR-related condition.
Androgen resistance syndrome (AIS). Also called: ANDROGEN RECEPTOR DEFICIENCY; DIHYDROTESTOSTERONE RECEPTOR DEFICIENCY; TESTICULAR FEMINIZATION SYNDROME; Androgen insensitivity, complete; Androgen insensitivity syndrome due to coactivator deficiency; DHTR DEFICIENCY. Identifiers: Orphanet 754, Orphanet 99429, MedGen C0039585, MONDO:0019154, OMIM 300068. Disease mechanism: loss of function.

Submissions (2):

PreventionGenetics, part of Exact Sciences
Classification: Likely pathogenic for AR-related condition. Last evaluated: 2026-01-07. Review status: criteria provided, single submitter. Criteria: ACMG Guidelines, 2015. Collection method: clinical testing. Allele origin: germline.
Comment: The AR c.2512G>A variant is predicted to result in the amino acid substitution p.Glu838Lys. This variant has been reported in the hemizygous state in an individual with androgen insensitivity syndrome (AIS; Aljasser. 2021. doi: 10.1210/jendso/bvab048.1414). To our knowledge, this variant has not been reported in a large population database (gnomAD), indicating this variant is rare. This variant is interpreted as likely pathogenic.

Clinical Molecular Genetics Laboratory, Johns Hopkins All Children's Hospital
Classification: Uncertain significance for Androgen resistance syndrome. Last evaluated: 2016-06-29. Review status: no assertion criteria provided. Collection method: clinical testing. Allele origin: germline. Affected: yes. Not counted in ClinVar's aggregate classification.

NM_000044.6(AR):c.2512G>A (p.Glu838Lys)

Gene: AR (androgen receptor; plus strand). Cytogenetic location: Xq12.
Variant type: single nucleotide variant.
Coding change: c.2512G>A on transcript NM_000044.6 (MANE Select); coding-DNA position 2512, G replaced by A.
Protein change: p.Glu838Lys; replaces glutamic acid 838 with lysine.
Molecular consequence: missense variant.
Genome position (GRCh38, 1-based): chrX:67,722,889, G>A. VCF-style: chrX-67722889-G-A. GRCh37 (hg19) VCF-style: chrX-66942731-G-A.
Other names: c.2512G>A (NM_000044.3); c.916G>A, p.Glu306Lys (NM_001011645.3); short protein forms E838K, E306K.
Identifiers: ClinVar variation 492798 (VCV000492798.2), dbSNP rs1555997775, ClinGen allele CA413427838.